The following is an entry in ClinVar:

ClinVar aggregate classification (germline): Pathogenic/Likely pathogenic. Review status: criteria provided, multiple submitters, no conflicts (2 of 4 stars). 2 submissions from 2 submitters: Pathogenic (1); Likely pathogenic (1). Last evaluated 2023-05-26.

Conditions:
Inborn genetic diseases. Identifiers: MedGen C0950123, MeSH D030342.
Poirier-Bienvenu neurodevelopmental syndrome (POBINDS). Identifiers: Orphanet 689397, MedGen C5231482, MONDO:0032889, OMIM 618732.

Submissions (2):

Ambry Genetics
Classification: Pathogenic for Inborn genetic diseases. Last evaluated: 2023-05-26. Review status: criteria provided, single submitter. Criteria: Ambry Variant Classification Scheme 2023. Collection method: clinical testing. Allele origin: germline.
Comment: The c.446C>G (p.S149*) alteration, located in exon 6 (coding exon 5) of the CSNK2B gene, consists of a C to G substitution at nucleotide position 446. This changes the amino acid from a serine (S) to a stop codon at amino acid position 149. This alteration is expected to result in loss of function by premature protein truncation or nonsense-mediated mRNA decay. This variant was not reported in population-based cohorts in the Genome Aggregation Database (gnomAD). Based on the available evidence, this alteration is classified as pathogenic.

MGZ Medical Genetics Center
Classification: Likely pathogenic for Poirier-Bienvenu neurodevelopmental syndrome. Last evaluated: 2022-08-04. Review status: criteria provided, single submitter. Criteria: ACMG Guidelines, 2015. Collection method: clinical testing. Allele origin: germline. Affected: yes. Observed: 2 variant alleles.
Comment: ACMG criteria applied: PVS1, PM2_SUP

NM_001320.7(CSNK2B):c.446C>G (p.Ser149Ter)

Gene: CSNK2B (casein kinase 2 beta; plus strand). Cytogenetic location: 6p21.33.
Variant type: single nucleotide variant.
Coding change: c.446C>G on transcript NM_001320.7 (MANE Select); coding-DNA position 446, C replaced by G.
Protein change: p.Ser149Ter; replaces serine 149 with a stop codon.
Molecular consequence: nonsense.
Genome position (GRCh38, 1-based): chr6:31,669,397, C>G. VCF-style: chr6-31669397-C-G. GRCh37 (hg19) VCF-style: chr6-31637174-C-G.
Other names: c.446C>G (NM_001320.5); c.437C>G, p.Ser146Ter (NM_001282385.2); short protein forms S146*, S149*.
Identifiers: ClinVar variation 1709734 (VCV001709734.4), dbSNP rs2536967921, ClinGen allele CA363476661.